The following is an entry in ClinVar:

ClinVar aggregate classification (germline): Uncertain significance (1 of 4 stars; one submission).

Conditions:
Lower motor neuron syndrome with late-adult onset (SMAJ). Also called: Late-Onset Spinal Motor Neuronopathy (SMAJ); Spinal muscular atrophy, Jokela type. Identifiers: Orphanet 276435, MedGen C3554398, MONDO:0014025, OMIM 615048.
Frontotemporal dementia and/or amyotrophic lateral sclerosis 2. Also called: FTDALS2. Identifiers: Orphanet 275872, MedGen C4014648, MONDO:0014395, OMIM 615911.
Autosomal dominant mitochondrial myopathy with exercise intolerance (IMMD). Also called: Myopathy, isolated mitochondrial, autosomal dominant. Identifiers: Orphanet 457050, MedGen C4015513, MONDO:0014532, OMIM 616209.

gnomAD v4.1: 4 of 1,606,076 alleles (0.00025%); highest among the groups gnomAD compares: Non-Finnish European, 0.00034%; no homozygotes.

Submission:

Labcorp Genetics (formerly Invitae), Labcorp
Classification: Uncertain significance for Lower motor neuron syndrome with late-adult onset; Frontotemporal dementia and/or amyotrophic lateral sclerosis 2; Autosomal dominant mitochondrial myopathy with exercise intolerance. Last evaluated: 2019-10-08. Review status: criteria provided, single submitter. Criteria: Invitae Variant Classification Sherloc (09022015). Collection method: clinical testing. Allele origin: germline.
Comment: This variant is not present in population databases (ExAC no frequency). This sequence change replaces alanine with valine at codon 68 of the CHCHD10 protein (p.Ala68Val). The alanine residue is moderately conserved and there is a small physicochemical difference between alanine and valine. This variant has not been reported in the literature in individuals with CHCHD10-related conditions. Algorithms developed to predict the effect of missense changes on protein structure and function are either unavailable or do not agree on the potential impact of this missense change (SIFT: "Tolerated"; PolyPhen-2: "Possibly Damaging"; Align-GVGD: "Class C0"). In summary, the available evidence is currently insufficient to determine the role of this variant in disease. Therefore, it has been classified as a Variant of Uncertain Significance.

NM_213720.3(CHCHD10):c.203C>T (p.Ala68Val)

Gene: CHCHD10 (coiled-coil-helix-coiled-coil-helix domain containing 10; minus strand). Cytogenetic location: 22q11.23.
Variant type: single nucleotide variant.
Coding change: c.203C>T on transcript NM_213720.3 (MANE Select); coding-DNA position 203, C replaced by T.
Protein change: p.Ala68Val; replaces alanine 68 with valine.
Molecular consequence: missense variant. On other transcripts: non-coding transcript variant (1).
Genome position (GRCh38, 1-based): chr22:23,767,432, G>A on the plus strand (C>T on the coding strand, the complement: CHCHD10 is on the minus strand). VCF-style: chr22-23767432-G-A. GRCh37 (hg19) VCF-style: chr22-24109619-G-A.
Other names: c.203C>T, p.Ala68Val (NM_001301339.2); short protein forms A68V.
Identifiers: ClinVar variation 941430 (VCV000941430.9), dbSNP rs1926925550, ClinGen allele CA410916148.
Genomic context (GRCh38, chr22:23,767,432, plus strand): 5'-ACCTGCTGGACAGCAGGCTGGGAGGGCTCCGAGCTCCCCCCGCTGAAGGCTCCGGTCAGG[G>A]CGCTGCCCATGACGTGTCCCACAGCCGAGCCCACGGCTACCCCTGCGGCCGTGGTCGCCA-3'
Protein context (NP_998885.1, residues 58-78): GSAVGHVMGS[Ala68Val]LTGAFSGGSS